The following is an entry in ClinVar:

NM_199420.4(POLQ):c.3709T>G (p.Cys1237Gly)

Gene: POLQ (DNA polymerase theta; minus strand). Cytogenetic location: 3q13.33.
Variant type: single nucleotide variant.
Coding change: c.3709T>G on transcript NM_199420.4 (MANE Select); coding-DNA position 3709, T replaced by G.
Protein change: p.Cys1237Gly; replaces cysteine 1237 with glycine.
Molecular consequence: missense variant.
Genome position (GRCh38, 1-based): chr3:121,489,222, A>C on the plus strand (T>G on the coding strand, the complement: POLQ is on the minus strand). VCF-style: chr3-121489222-A-C. GRCh37 (hg19) VCF-style: chr3-121208069-A-C.
Other names: short protein forms C1237G.
Identifiers: ClinVar variation 1734173 (VCV001734173.3), dbSNP rs1379974231, ClinGen allele CA354097868.

ClinVar aggregate classification (germline): Uncertain significance (1 of 4 stars; one submission).

Allele frequency attached by ClinVar (database versions not stated): gnomAD exomes below 0.00001.
gnomAD v4.1: 1 of 1,612,050 alleles (0.000062%); highest among the groups gnomAD compares: Non-Finnish European, 0.000085%; no homozygotes.

Submission:

Ambry Genetics
Classification: Uncertain significance. Last evaluated: 2024-10-28. Review status: criteria provided, single submitter. Criteria: Ambry Variant Classification Scheme 2023. Collection method: clinical testing. Allele origin: germline.
Comment: The p.C1237G variant (also known as c.3709T>G), located in coding exon 16 of the POLQ gene, results from a T to G substitution at nucleotide position 3709. The cysteine at codon 1237 is replaced by glycine, an amino acid with highly dissimilar properties. This amino acid position is conserved. In addition, this alteration is predicted to be tolerated by in silico analysis. Since supporting evidence is limited at this time, the clinical significance of this alteration remains unclear.